The following is an entry in ClinVar:

NM_170606.3(KMT2C):c.13688C>A (p.Pro4563Gln)

Gene: KMT2C (lysine methyltransferase 2C; minus strand). Cytogenetic location: 7q36.1.
Variant type: single nucleotide variant.
Coding change: c.13688C>A on transcript NM_170606.3 (MANE Select); coding-DNA position 13688, C replaced by A.
Protein change: p.Pro4563Gln; replaces proline 4563 with glutamine.
Molecular consequence: missense variant.
Genome position (GRCh38, 1-based): chr7:152,148,239, G>T on the plus strand (C>A on the coding strand, the complement: KMT2C is on the minus strand). VCF-style: chr7-152148239-G-T. GRCh37 (hg19) VCF-style: chr7-151845324-G-T.
Other names: short protein forms P4563Q.
Identifiers: ClinVar variation 3116015 (VCV003116015.1), dbSNP rs2091332090, ClinGen allele CA370089863.
Genomic context (GRCh38, chr7:152,148,239, plus strand): 5'-CTGGCTTCATAGCCCACAGGGAAGAGTGCTTTAGGAGAATGGAATGCTTGCATCTGCTGT[G>T]GAAGCAGCTGACCAATTGTGTGGAAGATGAGGCTACCCACGCGAAAGGTATGGTCCCGTT-3'
Protein context (NP_733751.2, residues 4553-4573): LIFHTIGQLL[Pro4563Gln]QQMQAFHSPK

ClinVar aggregate classification (germline): Uncertain significance (1 of 4 stars; one submission).

Conditions:
Inborn genetic diseases. Identifiers: MedGen C0950123, MeSH D030342.

Allele frequency attached by ClinVar (database versions not stated): TOPMed below 0.00001.

Submission:

Ambry Genetics
Classification: Uncertain significance for Inborn genetic diseases. Last evaluated: 2024-02-12. Review status: criteria provided, single submitter. Criteria: Ambry Variant Classification Scheme 2023. Collection method: clinical testing. Allele origin: germline.
Comment: The c.13688C>A (p.P4563Q) alteration is located in exon 52 (coding exon 52) of the KMT2C gene. This alteration results from a C to A substitution at nucleotide position 13688, causing the proline (P) at amino acid position 4563 to be replaced by a glutamine (Q). This variant was not reported in population-based cohorts in the Genome Aggregation Database (gnomAD). This amino acid position is highly conserved in available vertebrate species. This alteration is predicted to be deleterious by in silico analysis. Based on insufficient or conflicting evidence, the clinical significance of this alteration remains unclear.